The following is an entry in ClinVar:

NM_004006.3(DMD):c.8905_8937+7del

Gene: DMD (dystrophin; minus strand). Cytogenetic location: Xp21.2.
Variant type: Deletion.
Coding change: c.8905_8937+7del on transcript NM_004006.3 (MANE Select); coding-DNA position 8905 through 7 bases into the intron after coding-DNA position 8937, 40 bases deleted.
Molecular consequence: splice donor variant.
Genome position (GRCh38, 1-based): chrX:31,478,099-31,478,138, 40 bases deleted; deleting any 40 consecutive bases within chrX:31,478,099-31,478,139 gives the same sequence; the c. name uses the placement nearest the transcript's 3' end. GRCh37 (hg19): chrX:31,496,217-31,496,256.
Other names: c.8881_8913+7del (NM_000109.4); c.4882_4914+7del (NM_004011.4); c.4873_4905+7del (NM_004012.4); c.1525_1557+7del (NM_004023.3, NM_004020.4, NM_004022.3 and 2 more transcripts); c.718_750+7del (NM_004014.3); c.8893_8925+7del (NM_004009.3); c.8536_8568+7del (NM_004010.3).
Identifiers: ClinVar variation 4815322 (VCV004815322.1).

ClinVar aggregate classification (germline): Likely pathogenic (1 of 4 stars; one submission).

Conditions:
Becker muscular dystrophy, Cardiomyopathy, Duchenne muscular dystrophy, Dystrophin deficiency.

Submission:

Natera, Inc.
Classification: Likely pathogenic for Becker muscular dystrophy, Cardiomyopathy, Duchenne muscular dystrophy, Dystrophin deficiency. Last evaluated: 2025-04-22. Review status: criteria provided, single submitter. Criteria: Natera Variant Classification Schema (03/2026). Collection method: clinical testing. Allele origin: germline.
Comment: The c.8905_8937+7del variant in DMD is a frameshift variant predicted to shift the reading frame and introduce a stop codon. This variant is expected to result in nonsense mediated decay, truncation, or a dysfunctional protein product. This variant is rare in the general population with a frequency below the threshold expected for the associated phenotype(s). Given the available evidence, this variant is classified as Likely Pathogenic.